The following is an entry in ClinVar:

NM_032043.3(BRIP1):c.432A>G (p.Ala144=)

Gene: BRIP1 (BRCA1 interacting DNA helicase 1; minus strand). Cytogenetic location: 17q23.2.
Variant type: single nucleotide variant.
Coding change: c.432A>G on transcript NM_032043.3 (MANE Select); coding-DNA position 432, A replaced by G.
Protein change: p.Ala144=; no amino-acid change (alanine 144 retained).
Molecular consequence: synonymous variant.
Genome position (GRCh38, 1-based): chr17:61,849,204, T>C on the plus strand (A>G on the coding strand, the complement: BRIP1 is on the minus strand). VCF-style: chr17-61849204-T-C. GRCh37 (hg19) VCF-style: chr17-59926565-T-C.
Identifiers: ClinVar variation 1739757 (VCV001739757.6), dbSNP rs1342776835, ClinGen allele CA501150905.

ClinVar aggregate classification (germline): Benign/Likely benign. Review status: criteria provided, multiple submitters, no conflicts (2 of 4 stars). 3 submissions from 3 submitters: Benign (1); Likely benign (2). Last evaluated 2025-11-16.

Conditions:
Hereditary cancer-predisposing syndrome. Also called: Neoplastic Syndromes, Hereditary; Tumor predisposition; Hereditary Cancer Syndrome; Hereditary neoplastic syndrome. Identifiers: Orphanet 140162, MedGen C0027672, MeSH D009386, MONDO:0015356.
Fanconi anemia complementation group J. Also called: BRIP1-Related Fanconi Anemia. Identifiers: Orphanet 84, MedGen C1836860, MONDO:0012187, OMIM 609054.
Familial cancer of breast. Also called: BREAST CANCER, FAMILIAL; Hereditary breast cancer; hereditary breast carcinoma. Identifiers: Orphanet 227535, MedGen C0346153, MONDO:0016419, OMIM 114480. Disease mechanism: loss of function.

Submissions (3):

Labcorp Genetics (formerly Invitae), Labcorp
Classification: Likely benign for Familial cancer of breast; Fanconi anemia complementation group J. Last evaluated: 2025-11-16. Review status: criteria provided, single submitter. Criteria: Invitae Variant Classification Sherloc (09022015). Collection method: clinical testing. Allele origin: germline.

Myriad Genetics, Inc.
Classification: Benign for Familial cancer of breast. Last evaluated: 2024-08-21. Review status: criteria provided, single submitter. Criteria: Myriad Autosomal Dominant, Autosomal Recessive and X-Linked Classification Criteria (2023). Collection method: clinical testing. Allele origin: unknown.
Comment: This variant is considered benign. This variant is a silent/synonymous amino acid change and it is not expected to impact splicing.

Ambry Genetics
Classification: Likely benign for Hereditary cancer-predisposing syndrome. Last evaluated: 2017-05-22. Review status: criteria provided, single submitter. Criteria: Ambry Variant Classification Scheme 2023. Collection method: clinical testing. Allele origin: germline.